The following is an entry in ClinVar:

NM_000026.4(ADSL):c.1016T>A (p.Ile339Asn)

Gene: ADSL (adenylosuccinate lyase; plus strand). Cytogenetic location: 22q13.1.
Variant type: single nucleotide variant.
Coding change: c.1016T>A on transcript NM_000026.4 (MANE Select); coding-DNA position 1016, T replaced by A.
Protein change: p.Ile339Asn; replaces isoleucine 339 with asparagine.
Molecular consequence: missense variant. On other transcripts: non-coding transcript variant (1).
Genome position (GRCh38, 1-based): chr22:40,362,986, T>A. VCF-style: chr22-40362986-T-A. GRCh37 (hg19) VCF-style: chr22-40758990-T-A.
Other names: c.1016T>A, p.Ile339Asn (NM_001123378.3, NM_001363840.3); c.824T>A, p.Ile275Asn (NM_001317923.2); short protein forms I339N, I275N.
Identifiers: ClinVar variation 423648 (VCV000423648.11), dbSNP rs772974251, ClinGen allele CA10247891.

ClinVar aggregate classification (germline): Uncertain significance. Review status: criteria provided, multiple submitters, no conflicts (2 of 4 stars). 3 submissions from 3 submitters: Uncertain significance (3). Last evaluated 2024-11-22.

Conditions:
Adenylosuccinate lyase deficiency (ADSLD). Also called: ADSL DEFICIENCY. Identifiers: Orphanet 46, MedGen C0268126, MONDO:0007068, OMIM 103050.
Inborn genetic diseases. Identifiers: MedGen C0950123, MeSH D030342.

Allele frequency attached by ClinVar (database versions not stated): ExAC 0.00002; gnomAD exomes 0.00002 and 0.00007; gnomAD 0.00005 and 0.00006; TOPMed 0.00006.
gnomAD v4.1: 107 of 1,613,536 alleles (0.0066%); highest among the groups gnomAD compares: Non-Finnish European, 0.0088%; no homozygotes.

Submissions (3):

GeneDx
Classification: Uncertain significance. Last evaluated: 2024-11-22. Review status: criteria provided, single submitter. Criteria: GeneDx Variant Classification Process June 2021. Collection method: clinical testing. Allele origin: germline. Affected: yes.
Comment: Not observed at significant frequency in large population cohorts (gnomAD); In silico analysis supports that this missense variant has a deleterious effect on protein structure/function; Has not been previously published as pathogenic or benign to our knowledge

Ambry Genetics
Classification: Uncertain significance for Inborn genetic diseases. Last evaluated: 2024-01-09. Review status: criteria provided, single submitter. Criteria: Ambry Variant Classification Scheme 2023. Collection method: clinical testing. Allele origin: germline.

Labcorp Genetics (formerly Invitae), Labcorp
Classification: Uncertain significance for Adenylosuccinate lyase deficiency. Last evaluated: 2022-08-23. Review status: criteria provided, single submitter. Criteria: Invitae Variant Classification Sherloc (09022015). Collection method: clinical testing. Allele origin: germline.
Comment: This sequence change replaces isoleucine, which is neutral and non-polar, with asparagine, which is neutral and polar, at codon 339 of the ADSL protein (p.Ile339Asn). This variant is present in population databases (rs772974251, gnomAD 0.006%). This variant has not been reported in the literature in individuals affected with ADSL-related conditions. ClinVar contains an entry for this variant (Variation ID: 423648). Algorithms developed to predict the effect of missense changes on protein structure and function (SIFT, PolyPhen-2, Align-GVGD) all suggest that this variant is likely to be disruptive. In summary, the available evidence is currently insufficient to determine the role of this variant in disease. Therefore, it has been classified as a Variant of Uncertain Significance.